The following is an entry in ClinVar:

ClinVar aggregate classification (germline): Uncertain significance. Review status: criteria provided, multiple submitters, no conflicts (2 of 4 stars). 8 submissions from 8 submitters: Uncertain significance (7). 1 of the submissions does not count toward it. Last evaluated 2024-05-24.

Conditions:
Bartter syndrome. Identifiers: Orphanet 112, MedGen C0004775, MONDO:0015231.
Bartter disease type 4A. Also called: BARTTER SYNDROME, TYPE 4A, NEONATAL, WITH SENSORINEURAL DEAFNESS; BARTTER SYNDROME, NEONATAL, WITH SENSORINEURAL DEAFNESS. Identifiers: Orphanet 112, MedGen C1865270, MONDO:0011242, OMIM 602522.

Allele frequency attached by ClinVar (database versions not stated): TOPMed 0.00006; 1000 Genomes Project 30x 0.00016; 1000 Genomes Project 0.00020.
gnomAD v4.1: 62 of 1,614,088 alleles (0.0038%); highest among the groups gnomAD compares: East Asian, 0.038%; no homozygotes.

Submissions (8):

GeneDx
Classification: Uncertain significance. Last evaluated: 2024-05-24. Review status: criteria provided, single submitter. Criteria: GeneDx Variant Classification Process June 2021. Collection method: clinical testing. Allele origin: germline. Affected: yes.
Comment: Reported in an individual with hearing loss who also harbored a pathogenic homozygous GJB2 variant (PMID: 29937438); In silico analysis indicates that this missense variant does not alter protein structure/function; This variant is associated with the following publications: (PMID: 29937438, 30733538, Klumsathian2017[Poster])

Blueprint Genetics
Classification: Uncertain significance. Last evaluated: 2023-04-27. Review status: criteria provided, single submitter. Criteria: ACMG Guidelines, 2015. Collection method: clinical testing. Allele origin: germline.

Women's Health and Genetics/Laboratory Corporation of America, LabCorp
Classification: Uncertain significance. Last evaluated: 2023-02-17. Review status: criteria provided, single submitter. Criteria: LabCorp Variant Classification Summary - May 2015. Collection method: clinical testing. Allele origin: germline.
Comment: Variant summary: BSND c.10G>A (p.Glu4Lys) results in a conservative amino acid change in the encoded protein sequence. Four of five in-silico tools predict a damaging effect of the variant on protein function. The variant allele was found at a frequency of 8e-05 in 251328 control chromosomes (gnomAD). This frequency is not significantly higher than estimated for a pathogenic variant in BSND causing Bartter Syndrome, Type 4a (8e-05 vs 0.0011), allowing no conclusion about variant significance. c.10G>A has been reported in the literature in individuals affected with Non-syndromic hearing loss (Han_2019). This report does not provide unequivocal conclusions about association of the variant with Bartter Syndrome, Type 4a. To our knowledge, no experimental evidence demonstrating an impact on protein function has been reported. Five ClinVar submitters have assessed the variant since 2014: all have classified the variant as uncertain significance. Based on the evidence outlined above, the variant was classified as uncertain significance.

Labcorp Genetics (formerly Invitae), Labcorp
Classification: Uncertain significance. Last evaluated: 2022-06-13. Review status: criteria provided, single submitter. Criteria: Invitae Variant Classification Sherloc (09022015). Collection method: clinical testing. Allele origin: germline.
Comment: This sequence change replaces glutamic acid, which is acidic and polar, with lysine, which is basic and polar, at codon 4 of the BSND protein (p.Glu4Lys). This variant is present in population databases (rs121908145, gnomAD 0.06%). This missense change has been observed in individual(s) with clinical features of BSND-related conditions (PMID: 30733538). ClinVar contains an entry for this variant (Variation ID: 667197). Algorithms developed to predict the effect of missense changes on protein structure and function are either unavailable or do not agree on the potential impact of this missense change (SIFT: "Deleterious"; PolyPhen-2: "Probably Damaging"; Align-GVGD: "Class C0"). In summary, the available evidence is currently insufficient to determine the role of this variant in disease. Therefore, it has been classified as a Variant of Uncertain Significance.

Fulgent Genetics
Classification: Uncertain significance for Bartter disease type 4A. Last evaluated: 2021-11-30. Review status: criteria provided, single submitter. Criteria: ACMG Guidelines, 2015. Collection method: clinical testing. Allele origin: unknown.

Laboratory for Molecular Medicine, Mass General Brigham Personalized Medicine
Classification: Uncertain significance. Last evaluated: 2019-03-01. Review status: criteria provided, single submitter. Criteria: LMM Criteria. Collection method: clinical testing. Allele origin: germline. Observed: 1 variant allele.
Comment: The p.Glu4Lys variant in BSND has not been previously reported in individuals with hearing loss or Bartter syndrome but has been identified in 0.05% (11/18394) of East Asian chromosomes by gnomAD. Computational prediction tools and conservation analysis do not provide strong support for or against an impact to the protein. In summary, the clinical significance of this variant is uncertain. ACMG/AMP Criteria applied: PM2_Supporting.

Illumina Laboratory Services, Illumina
Classification: Uncertain significance for Bartter disease type 4A. Last evaluated: 2017-04-27. Review status: criteria provided, single submitter. Criteria: ICSL Variant Classification Criteria 13 December 2019. Collection method: clinical testing. Allele origin: germline.

Natera, Inc.
Classification: Uncertain significance for Bartter syndrome. Last evaluated: 2020-09-16. Review status: no assertion criteria provided. Collection method: clinical testing. Allele origin: germline. Not counted in ClinVar's aggregate classification.

Literature cited by the submitters: PubMed 30733538 (cited by Women's Health and Genetics/Laboratory Corporation of America, LabCorp and Labcorp Genetics (formerly Invitae), Labcorp).

NM_057176.3(BSND):c.10G>A (p.Glu4Lys)

Gene: BSND (barttin CLCNK type accessory subunit beta; plus strand). Cytogenetic location: 1p32.3.
Variant type: single nucleotide variant.
Coding change: c.10G>A on transcript NM_057176.3 (MANE Select); coding-DNA position 10, G replaced by A.
Protein change: p.Glu4Lys; replaces glutamic acid 4 with lysine.
Molecular consequence: missense variant.
Genome position (GRCh38, 1-based): chr1:54,999,196, G>A. VCF-style: chr1-54999196-G-A. GRCh37 (hg19) VCF-style: chr1-55464869-G-A.
Other names: short protein forms E4K.
Identifiers: ClinVar variation 667197 (VCV000667197.15), dbSNP rs121908145, ClinGen allele CA871189.